The following is an entry in ClinVar:

ClinVar aggregate classification (germline): Uncertain significance (1 of 4 stars; one submission).

Allele frequency attached by ClinVar (database versions not stated): gnomAD 0.00001; gnomAD exomes 0.00001; TOPMed 0.00001.
gnomAD v4.1: 8 of 1,592,886 alleles (0.0005%); highest among the groups gnomAD compares: South Asian, 0.0046%; no homozygotes.

Submission:

Labcorp Genetics (formerly Invitae), Labcorp
Classification: Uncertain significance. Last evaluated: 2024-11-05. Review status: criteria provided, single submitter. Criteria: Invitae Variant Classification Sherloc (09022015). Collection method: clinical testing. Allele origin: germline.
Comment: This sequence change falls in intron 14 of the RIMS1 gene. It does not directly change the encoded amino acid sequence of the RIMS1 protein. It affects a nucleotide within the consensus splice site. The frequency data for this variant in the population databases is considered unreliable, as metrics indicate poor data quality at this position in the gnomAD database. This variant has not been reported in the literature in individuals affected with RIMS1-related conditions. ClinVar contains an entry for this variant (Variation ID: 967868). Variants that disrupt the consensus splice site are a relatively common cause of aberrant splicing (PMID: 17576681, 9536098). Algorithms developed to predict the effect of sequence changes on RNA splicing suggest that this variant is not likely to affect RNA splicing. In summary, the available evidence is currently insufficient to determine the role of this variant in disease. Therefore, it has been classified as a Variant of Uncertain Significance.

Literature cited by the submitters: PubMed 17576681; PubMed 9536098.

NM_014989.7(RIMS1):c.2545-3C>T

Gene: RIMS1 (regulating synaptic membrane exocytosis 1; plus strand). Cytogenetic location: 6q13.
Variant type: single nucleotide variant.
Coding change: c.2545-3C>T on transcript NM_014989.7 (MANE Select); 3 bases into the intron before coding-DNA position 2545, C replaced by T.
Molecular consequence: intron variant.
Genome position (GRCh38, 1-based): chr6:72,251,212, C>T. VCF-style: chr6-72251212-C-T. GRCh37 (hg19) VCF-style: chr6-72960915-C-T.
Other names: c.898-3C>T (NM_001350428.2, NM_001350459.2, NM_001350424.2 and 6 more transcripts); c.967-3C>T (NM_001350458.2, NM_001350433.2, NM_001350446.2 and 37 more transcripts); c.724-3C>T (NM_001350469.2, NM_001168409.2, NM_001350466.2 and 6 more transcripts); c.922-3C>T (NM_001350470.2, NM_001168410.2, NM_001350473.2 and 2 more transcripts).
Identifiers: ClinVar variation 967868 (VCV000967868.10), dbSNP rs1237532509, ClinGen allele CA568117874.